The following is an entry in ClinVar:

NM_000179.3(MSH6):c.2302C>T (p.Pro768Ser)

Gene: MSH6 (mutS homolog 6; plus strand). Cytogenetic location: 2p16.3.
Variant type: single nucleotide variant.
Coding change: c.2302C>T on transcript NM_000179.3 (MANE Select); coding-DNA position 2302, C replaced by T.
Protein change: p.Pro768Ser; replaces proline 768 with serine.
Molecular consequence: missense variant.
Genome position (GRCh38, 1-based): chr2:47,800,285, C>T. VCF-style: chr2-47800285-C-T. GRCh37 (hg19) VCF-style: chr2-48027424-C-T.
Other names: c.1912C>T, p.Pro638Ser (NM_001281492.2); c.1396C>T, p.Pro466Ser (NM_001281493.2, NM_001281494.2); short protein forms P768S, P466S, P638S.
Identifiers: ClinVar variation 821000 (VCV000821000.7), dbSNP rs35946687, ClinGen allele CA346753064.

ClinVar aggregate classification (germline): Uncertain significance. Review status: criteria provided, multiple submitters, no conflicts (2 of 4 stars). 2 submissions from 2 submitters: Uncertain significance (2). Last evaluated 2023-02-14.

Conditions:
Hereditary cancer-predisposing syndrome. Also called: Neoplastic Syndromes, Hereditary; Tumor predisposition; Hereditary Cancer Syndrome; Hereditary neoplastic syndrome. Identifiers: Orphanet 140162, MedGen C0027672, MeSH D009386, MONDO:0015356.

gnomAD v4.1: 1 of 1,614,100 alleles (0.000062%); highest among the groups gnomAD compares: South Asian, 0.0011%; no homozygotes.

Submissions (2):

Ambry Genetics
Classification: Uncertain significance for Hereditary cancer-predisposing syndrome. Last evaluated: 2023-02-14. Review status: criteria provided, single submitter. Criteria: Ambry Variant Classification Scheme 2023. Collection method: clinical testing. Allele origin: germline.
Comment: The p.P768S variant (also known as c.2302C>T), located in coding exon 4 of the MSH6 gene, results from a C to T substitution at nucleotide position 2302. The proline at codon 768 is replaced by serine, an amino acid with similar properties. This amino acid position is well conserved in available vertebrate species. In addition, the in silico prediction for this alteration is inconclusive. Since supporting evidence is limited at this time, the clinical significance of this alteration remains unclear.

Color Diagnostics, LLC DBA Color Health
Classification: Uncertain significance for Hereditary cancer-predisposing syndrome. Last evaluated: 2021-04-14. Review status: criteria provided, single submitter. Criteria: ACMG Guidelines, 2015. Collection method: clinical testing. Allele origin: germline.
Comment: This missense variant replaces proline with serine at codon 768 of the MSH6 protein. Computational prediction is inconclusive regarding the impact of this variant on protein structure and function (internally defined REVEL score threshold 0.5 < inconclusive < 0.7, PMID: 27666373). To our knowledge, functional studies have not been reported for this variant. This variant has not been reported in individuals affected with hereditary cancer in the literature. This variant has been identified in 1/251152 chromosomes in the general population by the Genome Aggregation Database (gnomAD). The available evidence is insufficient to determine the role of this variant in disease conclusively. Therefore, this variant is classified as a Variant of Uncertain Significance.